The following is an entry in ClinVar:

ClinVar aggregate classification (germline): Uncertain significance (1 of 4 stars; one submission).

Submission:

Labcorp Genetics (formerly Invitae), Labcorp
Classification: Uncertain significance. Last evaluated: 2025-08-07. Review status: criteria provided, single submitter. Criteria: Invitae Variant Classification Sherloc (09022015). Collection method: clinical testing. Allele origin: germline.
Comment: This sequence change creates a premature translational stop signal (p.Ala600Leufs*60) in the RECQL gene. While this is not anticipated to result in nonsense mediated decay, it is expected to disrupt the last 50 amino acid(s) of the RECQL protein. This variant is not present in population databases (gnomAD no frequency). This variant has not been reported in the literature in individuals affected with RECQL-related conditions. ClinVar contains an entry for this variant (Variation ID: 1365563). Algorithms developed to predict the effect of sequence changes on RNA splicing suggest that this variant may disrupt the consensus splice site. In summary, the available evidence is currently insufficient to determine the role of this variant in disease. Therefore, it has been classified as a Variant of Uncertain Significance.

NM_002907.4(RECQL):c.1797+1del

Genes: PYROXD1 (pyridine nucleotide-disulphide oxidoreductase domain 1; plus strand), RECQL (RecQ like helicase; minus strand). Cytogenetic location: 12p12.1.
Variant type: Deletion.
Coding change: c.1797+1del on transcript NM_002907.4 (MANE Select); the canonical splice donor site of the intron after coding-DNA position 1797, one base deleted (G; older notation c.1797+1delG).
Molecular consequence: splice donor variant. On other transcripts: 3 prime UTR variant (3).
Genome position (GRCh38, 1-based): chr12:21,470,968, C deleted on the plus strand (G on the coding strand, the reverse complement: RECQL is on the minus strand); the first of 3 consecutive C bases (chr12:21,470,968-21,470,970); deleting any one gives the same sequence. VCF-style (leftmost placement, unchanged base first): chr12-21470967-AC-A. GRCh37 (hg19) VCF-style: chr12-21623901-AC-A.
Other names: c.*2216del (NM_001350912.2, NM_001350913.2, NM_024854.5); c.1797+1del (NM_032941.3).
Identifiers: ClinVar variation 1365563 (VCV001365563.6), dbSNP rs2137311196, ClinGen allele CA2573148361.